The following is an entry in ClinVar:

ClinVar aggregate classification (germline): Benign/Likely benign. Review status: criteria provided, multiple submitters, no conflicts (2 of 4 stars). 6 submissions from 6 submitters: Benign (5); Likely benign (1). Last evaluated 2026-06-01.

Conditions:
Inborn genetic diseases. Identifiers: MedGen C0950123, MeSH D030342.

Allele frequency attached by ClinVar (database versions not stated): 1000 Genomes Project 0.00160; 1000 Genomes Project 30x 0.00172; ESP Exome Variant Server 0.00231; TOPMed 0.00288; gnomAD exomes 0.00366 and 0.00458; gnomAD 0.00375 and 0.00387; ExAC 0.00460.

Submissions (6):

CeGaT Center for Human Genetics Tuebingen
Classification: Benign. Last evaluated: 2026-06-01. Review status: criteria provided, single submitter. Criteria: CeGaT Center For Human Genetics Tuebingen Variant Classification Criteria Version 2. Collection method: clinical testing. Allele origin: germline. Affected: yes. Observed: 22 variant alleles.
Comment: SHANK3: BP4, BP7, BS1, BS2

Blueprint Genetics
Classification: Likely benign. Last evaluated: 2024-11-21. Review status: criteria provided, single submitter. Criteria: ACMG Guidelines, 2015. Collection method: clinical testing. Allele origin: germline.

GeneDx
Classification: Benign. Last evaluated: 2019-02-15. Review status: criteria provided, single submitter. Criteria: GeneDx Variant Classification Process June 2021. Collection method: clinical testing. Allele origin: germline. Affected: yes.

Eurofins Ntd Llc (ga)
Classification: Benign. Last evaluated: 2018-08-28. Review status: criteria provided, single submitter. Criteria: EGL ClinVar v180209 classification definitions. Collection method: clinical testing. Allele origin: germline. Observed: 1 variant allele, 1 heterozygote.

Ambry Genetics
Classification: Benign for Inborn genetic diseases. Last evaluated: 2016-07-11. Review status: criteria provided, single submitter. Criteria: Ambry Variant Classification Scheme 2023. Collection method: clinical testing. Allele origin: germline.

Breakthrough Genomics
Classification: Benign. Review status: criteria provided, single submitter. Criteria: ACMG Guidelines, 2015. Collection method: not provided. Allele origin: germline. Inheritance: Autosomal dominant inheritance. Affected: yes.

NM_001372044.2(SHANK3):c.3588C>T (p.Ser1196=)

Gene: SHANK3 (SH3 and multiple ankyrin repeat domains 3; plus strand). Cytogenetic location: 22q13.33.
Variant type: single nucleotide variant.
Coding change: c.3588C>T on transcript NM_001372044.2 (MANE Select); coding-DNA position 3588, C replaced by T.
Protein change: p.Ser1196=; no amino-acid change (serine 1196 retained).
Molecular consequence: synonymous variant.
Genome position (GRCh38, 1-based): chr22:50,721,196, C>T. VCF-style: chr22-50721196-C-T. GRCh37 (hg19) VCF-style: chr22-51159624-C-T.
Other names: c.3363C>T, p.Ser1121= (NM_033517.1).
Identifiers: ClinVar variation 167684 (VCV000167684.38), dbSNP rs200077311, ClinGen allele CA180434.
Genomic context (GRCh38, chr22:50,721,196, plus strand): 5'-CCTGGACCCCAGCTCACCCCTGGCCCTTGCCCTGGCTGCCCGAGAGCGAGCTCTGGCCTC[C>T]CAGGCGCCCTCCCGGTCCCCCACACCCGTGCACAGTCCCGACGCCGACCGCCCCGGACCC-3'
Protein context (NP_001358973.1, residues 1186-1206): ALAARERALA[Ser1196=]QAPSRSPTPV